The following is an entry in ClinVar:

ClinVar aggregate classification (germline): Uncertain significance (1 of 4 stars; one submission).

Conditions:
ARHGAP29-related disorder. Also called: ARHGAP29-Related Disorders; ARHGAP29-related condition.

Submission:

PreventionGenetics, part of Exact Sciences
Classification: Uncertain significance for ARHGAP29-related condition. Last evaluated: 2023-08-29. Review status: criteria provided, single submitter. Criteria: ACMG Guidelines, 2015. Collection method: clinical testing. Allele origin: germline.
Comment: The ARHGAP29 c.1229T>G variant is predicted to result in the amino acid substitution p.Ile410Ser. To our knowledge, this variant has not been reported in the literature or in a large population database, indicating this variant is rare. At this time, the clinical significance of this variant is uncertain due to the absence of conclusive functional and genetic evidence.

NM_004815.4(ARHGAP29):c.1229T>G (p.Ile410Ser)

Gene: ARHGAP29 (Rho GTPase activating protein 29; minus strand). Cytogenetic location: 1p22.1.
Variant type: single nucleotide variant.
Coding change: c.1229T>G on transcript NM_004815.4 (MANE Select); coding-DNA position 1229, T replaced by G.
Protein change: p.Ile410Ser; replaces isoleucine 410 with serine.
Molecular consequence: missense variant.
Genome position (GRCh38, 1-based): chr1:94,201,772, A>C on the plus strand (T>G on the coding strand, the complement: ARHGAP29 is on the minus strand). VCF-style: chr1-94201772-A-C. GRCh37 (hg19) VCF-style: chr1-94667328-A-C.
Other names: c.1229T>G, p.Ile410Ser (NM_001328664.2, NM_001328666.2); c.1037T>G, p.Ile346Ser (NM_001328665.2, NM_001328667.2); short protein forms I346S, I410S.
Identifiers: ClinVar variation 2631392 (VCV002631392.1), dbSNP rs2524330353, ClinGen allele CA341295535.